The following is an entry in ClinVar:

ClinVar aggregate classification (germline): Uncertain significance (1 of 4 stars; one submission).

Conditions:
Bardet-Biedl syndrome (BBS). Identifiers: Orphanet 110, MedGen C0752166, MONDO:0015229.

Submission:

Labcorp Genetics (formerly Invitae), Labcorp
Classification: Uncertain significance for Bardet-Biedl syndrome. Last evaluated: 2022-02-19. Review status: criteria provided, single submitter. Criteria: Invitae Variant Classification Sherloc (09022015). Collection method: clinical testing. Allele origin: germline.
Comment: In summary, the available evidence is currently insufficient to determine the role of this variant in disease. Therefore, it has been classified as a Variant of Uncertain Significance. Algorithms developed to predict the effect of missense changes on protein structure and function are either unavailable or do not agree on the potential impact of this missense change (SIFT: "Deleterious"; PolyPhen-2: "Benign"; Align-GVGD: "Class C25"). This variant has not been reported in the literature in individuals affected with BBS7-related conditions. This variant is not present in population databases (gnomAD no frequency). This sequence change replaces histidine, which is basic and polar, with leucine, which is neutral and non-polar, at codon 351 of the BBS7 protein (p.His351Leu).

NM_176824.3(BBS7):c.1052A>T (p.His351Leu)

Gene: BBS7 (Bardet-Biedl syndrome 7; minus strand). Cytogenetic location: 4q27.
Variant type: single nucleotide variant.
Coding change: c.1052A>T on transcript NM_176824.3 (MANE Select); coding-DNA position 1052, A replaced by T.
Protein change: p.His351Leu; replaces histidine 351 with leucine.
Molecular consequence: missense variant.
Genome position (GRCh38, 1-based): chr4:121,845,682, T>A on the plus strand (A>T on the coding strand, the complement: BBS7 is on the minus strand). VCF-style: chr4-121845682-T-A. GRCh37 (hg19) VCF-style: chr4-122766837-T-A.
Other names: c.1052A>T, p.His351Leu (NM_018190.4); short protein forms H351L.
Identifiers: ClinVar variation 1515764 (VCV001515764.6), dbSNP rs940315256, ClinGen allele CA358062764.